The following is an entry in ClinVar:

ClinVar aggregate classification (germline): Pathogenic (1 of 4 stars; one submission).

Conditions:
Early-infantile DEE. Also called: Early infantile epileptic encephalopathy with suppression bursts; Early infantile epileptic encephalopathy; Ohtahara syndrome. Identifiers: Orphanet 1934, MedGen C0393706, MONDO:0800491.

Submission:

Labcorp Genetics (formerly Invitae), Labcorp
Classification: Pathogenic for Early-infantile DEE. Last evaluated: 2025-06-02. Review status: criteria provided, single submitter. Criteria: Invitae Variant Classification Sherloc (09022015). Collection method: clinical testing. Allele origin: germline.
Comment: This sequence change replaces leucine, which is neutral and non-polar, with serine, which is neutral and polar, at codon 375 of the SCN8A protein (p.Leu375Ser). This variant is not present in population databases (gnomAD no frequency). This missense change has been observed in individual(s) with clinical features of developmental and epileptic encephalopathy (internal data). In at least one individual the variant was observed to be de novo. Invitae Evidence Modeling of protein sequence and biophysical properties (such as structural, functional, and spatial information, amino acid conservation, physicochemical variation, residue mobility, and thermodynamic stability) indicates that this missense variant is expected to disrupt SCN8A protein function with a positive predictive value of 95%. For these reasons, this variant has been classified as Pathogenic.

NM_001330260.2(SCN8A):c.1124T>C (p.Leu375Ser)

Gene: SCN8A (sodium voltage-gated channel alpha subunit 8; plus strand). Cytogenetic location: 12q13.13.
Variant type: single nucleotide variant.
Coding change: c.1124T>C on transcript NM_001330260.2 (MANE Select); coding-DNA position 1124, T replaced by C.
Protein change: p.Leu375Ser; replaces leucine 375 with serine.
Molecular consequence: missense variant.
Genome position (GRCh38, 1-based): chr12:51,702,904, T>C. VCF-style: chr12-51702904-T-C. GRCh37 (hg19) VCF-style: chr12-52096688-T-C.
Other names: c.1124T>C, p.Leu375Ser (NM_001177984.3, NM_001369788.1, NM_014191.4); short protein forms L375S.
Identifiers: ClinVar variation 4801272 (VCV004801272.1).